The following is an entry in ClinVar:

ClinVar aggregate classification (germline): Pathogenic (1 of 4 stars; one submission).

Conditions:
Osteopathia striata with cranial sclerosis (OSCS). Also called: HYPEROSTOSIS GENERALISATA WITH STRIATIONS. Identifiers: Orphanet 2780, MedGen C0432268, MONDO:0010310, OMIM 300373.

Submission:

Clinical Genetics and Genomics, Karolinska University Hospital
Classification: Pathogenic for Osteopathia striata with cranial sclerosis. Last evaluated: 2026-04-07. Review status: criteria provided, single submitter. Criteria: ACMG Guidelines, 2015. Collection method: clinical testing. Allele origin: de novo. Affected: yes.
Comment: This sequence change creates a premature stop signal and is not present in population databases (gnomAD no frequency). This variant has not been reported in the literature in individuals affected with AMER1-related conditions.

NM_152424.4(AMER1):c.637C>T (p.Gln213Ter)

Gene: AMER1 (APC membrane recruitment protein 1; minus strand). Cytogenetic location: Xq11.2.
Variant type: single nucleotide variant.
Coding change: c.637C>T on transcript NM_152424.4 (MANE Select); coding-DNA position 637, C replaced by T.
Protein change: p.Gln213Ter; replaces glutamine 213 with a stop codon.
Molecular consequence: nonsense.
Genome position (GRCh38, 1-based): chrX:64,192,650, G>A on the plus strand (C>T on the coding strand, the complement: AMER1 is on the minus strand). VCF-style: chrX-64192650-G-A. GRCh37 (hg19) VCF-style: chrX-63412530-G-A.
Other names: short protein forms Q213*.
Identifiers: ClinVar variation 4850920 (VCV004850920.1).